The following is an entry in ClinVar:

NM_001134363.3(RBM20):c.1881-214del

Gene: RBM20 (RNA binding motif protein 20; plus strand). Cytogenetic location: 10q25.2.
Variant type: Deletion.
Coding change: c.1881-214del on transcript NM_001134363.3 (MANE Select); 214 bases into the intron before coding-DNA position 1881, one base deleted (G; older notation c.1881-214delG).
Molecular consequence: intron variant.
Genome position (GRCh38, 1-based): chr10:110,812,064, G deleted. VCF-style (leftmost placement, unchanged base first): chr10-110812063-AG-A. GRCh37 (hg19) VCF-style: chr10-112571821-AG-A.
Identifiers: ClinVar variation 672918 (VCV000672918.1), dbSNP rs140844165, ClinGen allele CA213223376.

ClinVar aggregate classification (germline): Benign (1 of 4 stars; one submission).

Allele frequency attached by ClinVar (database versions not stated): gnomAD 0.04279 and 0.04415; TOPMed 0.04771; 1000 Genomes Project 0.06330; 1000 Genomes Project 30x 0.06496.

Submission:

GeneDx
Classification: Benign. Last evaluated: 2018-06-19. Review status: criteria provided, single submitter. Criteria: GeneDx Variant Classification (06012015). Collection method: clinical testing. Allele origin: germline. Affected: yes.
Comment: This variant is considered likely benign or benign based on one or more of the following criteria: it is a conservative change, it occurs at a poorly conserved position in the protein, it is predicted to be benign by multiple in silico algorithms, and/or has population frequency not consistent with disease.